The following is an entry in ClinVar:

NM_001387430.1(SH2B1):c.1042-6C>T

Gene: SH2B1 (SH2B adaptor protein 1; plus strand). Cytogenetic location: 16p11.2.
Variant type: single nucleotide variant.
Coding change: c.1042-6C>T on transcript NM_001387430.1 (MANE Select); 6 bases into the intron before coding-DNA position 1042, C replaced by T.
Molecular consequence: intron variant.
Genome position (GRCh38, 1-based): chr16:28,869,000, C>T. VCF-style: chr16-28869000-C-T. GRCh37 (hg19) VCF-style: chr16-28880321-C-T.
Other names: c.1042-6C>T (NM_001308293.2, NM_001387404.1, NM_015503.3 and 4 more transcripts); c.34-6C>T (NM_001308294.2).
Identifiers: ClinVar variation 4980902 (VCV004980902.1).
Genomic context (GRCh38, chr16:28,869,000, plus strand): 5'-CATTAGGCATGGATTAAGCCTCCTCCCTGCCCCTGCCCCAGCTGAGGCGTCGTCTCATCT[C>T]TGTAGGTGGAAGGTCCATCCGAGTATATCATGGAGACAGTGGATGCCCAGCATGTGAAGG-3'

ClinVar aggregate classification (germline): Likely benign (1 of 4 stars; one submission).

Conditions:
SH2B1-related disorder. Also called: SH2B1-related condition.

gnomAD v4.1: 5 of 1,612,920 alleles (0.00031%); highest among the groups gnomAD compares: Admixed American, 0.005%; no homozygotes.

Submission:

PreventionGenetics, part of Exact Sciences
Classification: Likely benign for SH2B1-related condition. Last evaluated: 2025-10-24. Review status: criteria provided, single submitter. Criteria: ACMG Guidelines, 2015. Collection method: clinical testing. Allele origin: germline.
Comment: This variant is classified as likely benign based on ACMG/AMP sequence variant interpretation guidelines (Richards et al. 2015 PMID: 25741868, with internal and published modifications).